The following is an entry in ClinVar:

ClinVar aggregate classification (germline): Benign/Likely benign. Review status: criteria provided, multiple submitters, no conflicts (2 of 4 stars). 14 submissions from 13 submitters: Benign (11); Likely benign (2). 1 of the submissions does not count toward it. Last evaluated 2026-02-04.

Conditions:
Pheochromocytoma. Also called: MAX-Related Hereditary Paraganglioma-Pheochromocytoma Syndrome. Identifiers: Orphanet 29072, MedGen C0031511, MONDO:0008233, OMIM 171300, HP:0002666.
Hirschsprung disease, susceptibility to, 1 (HSCR1). Also called: RET-Related Hirschsprung Disease. Identifiers: Orphanet 388, MedGen C3888239, MONDO:0007723, OMIM 142623.
Familial medullary thyroid carcinoma (MTC). Also called: Thyroid cancer, familial medullary; MTC, familial; Familial Medullary Thyroid Carcinoma (FMTC). Identifiers: Orphanet 653, Orphanet 99361, MedGen C1833921, MONDO:0007958, OMIM 155240.
Multiple endocrine neoplasia type 2B. Also called: MEN IIB; NEUROMATA, MUCOSAL, WITH ENDOCRINE TUMORS; WAGENMANN-FROBOESE SYNDROME; MULTIPLE ENDOCRINE NEOPLASIA, TYPE III; MULTIPLE ENDOCRINE NEOPLASIA, TYPE IIB; MEN 2B. Identifiers: Orphanet 247709, Orphanet 653, MedGen C0025269, MeSH D018814, MONDO:0008082, OMIM 162300.
Multiple endocrine neoplasia type 2A. Also called: Multiple Endocrine Neoplasia Type 2A (MEN2A); MULTIPLE ENDOCRINE NEOPLASIA, TYPE IIA; PTC SYNDROME; SIPPLE SYNDROME; MEN 2A; MEN-2A syndrome. Identifiers: Orphanet 247698, Orphanet 653, MedGen C0025268, MeSH D018813, MONDO:0008234, OMIM 171400.
Hereditary cancer-predisposing syndrome. Also called: Tumor predisposition; Hereditary neoplastic syndrome; Hereditary Cancer Syndrome; Neoplastic Syndromes, Hereditary. Identifiers: Orphanet 140162, MedGen C0027672, MeSH D009386, MONDO:0015356.
Multiple endocrine neoplasia, type 2 (MEN2). Identifiers: Orphanet 653, MedGen C4048306, MONDO:0019003. Disease mechanism: gain of function.

Allele frequency attached by ClinVar (database versions not stated): gnomAD 0.00068 and 0.00106; ESP Exome Variant Server 0.00015; gnomAD exomes 0.00136 and 0.00228; ExAC 0.00207; 1000 Genomes Project 30x 0.00297; TOPMed 0.00115; 1000 Genomes Project 0.00379.
gnomAD v4.1: 2,159 of 1,613,718 alleles (0.13%); highest among the groups gnomAD compares: East Asian, 4.4%; 58 homozygotes.

Submissions (14):

Labcorp Genetics (formerly Invitae), Labcorp
Classification: Benign for Multiple endocrine neoplasia, type 2. Last evaluated: 2026-02-04. Review status: criteria provided, single submitter. Criteria: Invitae Variant Classification Sherloc (09022015). Collection method: clinical testing. Allele origin: germline.

GeneKor MSA
Classification: Benign for Hereditary cancer-predisposing syndrome. Last evaluated: 2025-07-10. Review status: criteria provided, single submitter. Criteria: ACMG Guidelines, 2015. Collection method: clinical testing. Allele origin: germline.

Center for Genomic Medicine, Rigshospitalet, Copenhagen University Hospital
Classification: Benign. Last evaluated: 2025-03-04. Review status: criteria provided, single submitter. Criteria: ACMG Guidelines, 2015. Collection method: clinical testing. Allele origin: germline.

KCCC/NGS Laboratory, Kuwait Cancer Control Center
Classification: Benign for Pheochromocytoma. Last evaluated: 2025-02-01. Review status: criteria provided, single submitter. Criteria: ACMG Guidelines, 2015. Collection method: clinical testing. Allele origin: germline. Affected: no.

Blueprint Genetics
Classification: Likely benign. Last evaluated: 2024-11-25. Review status: criteria provided, single submitter. Criteria: ACMG Guidelines, 2015. Collection method: clinical testing. Allele origin: germline.

KCCC/NGS Laboratory, Kuwait Cancer Control Center
Classification: Benign for Multiple endocrine neoplasia type 2B. Last evaluated: 2023-07-07. Review status: criteria provided, single submitter. Criteria: ACMG Guidelines, 2015. Collection method: clinical testing. Allele origin: germline. Affected: yes.

Color Diagnostics, LLC DBA Color Health
Classification: Benign for Multiple endocrine neoplasia, type 2. Last evaluated: 2022-10-04. Review status: criteria provided, single submitter. Criteria: ACMG Guidelines, 2015. Collection method: clinical testing. Allele origin: germline.

Department of Pathology and Laboratory Medicine, Sinai Health System
Classification: Benign for Hirschsprung disease, susceptibility to, 1; Familial medullary thyroid carcinoma; Multiple endocrine neoplasia type 2B; Pheochromocytoma; Multiple endocrine neoplasia type 2A. Last evaluated: 2022-08-19. Review status: criteria provided, single submitter. Criteria: ACMG Guidelines, 2015. Collection method: clinical testing. Allele origin: germline. Affected: yes.

Illumina Laboratory Services, Illumina
Classification: Likely benign for Hirschsprung disease, susceptibility to, 1. Last evaluated: 2018-02-20. Review status: criteria provided, single submitter. Criteria: ICSL Variant Classification Criteria 13 December 2019. Collection method: clinical testing. Allele origin: germline.
Comment: This variant was observed as part of a predisposition screen in an ostensibly healthy population. A literature search was performed for the gene, cDNA change, and amino acid change (where applicable). Publications were found based on this search. The evidence from the literature, in combination with allele frequency data from public databases where available, was sufficient to determine this variant is unlikely to cause disease. Therefore, this variant is classified as likely benign.

Genetic Services Laboratory, University of Chicago
Classification: Benign. Last evaluated: 2017-08-08. Review status: criteria provided, single submitter. Criteria: ACMG Guidelines, 2015. Collection method: clinical testing. Allele origin: germline. Affected: no.

GeneDx
Classification: Benign. Last evaluated: 2015-03-03. Review status: criteria provided, single submitter. Criteria: GeneDx Variant Classification Process June 2021. Collection method: clinical testing. Allele origin: germline. Affected: yes.
Comment: This variant is associated with the following publications: (PMID: 24728327, 23114404, 29483666)

Ambry Genetics
Classification: Benign for Hereditary cancer-predisposing syndrome. Last evaluated: 2014-12-01. Review status: criteria provided, single submitter. Criteria: Ambry Variant Classification Scheme 2023. Collection method: clinical testing. Allele origin: germline.

PreventionGenetics, part of Exact Sciences
Classification: Benign. Review status: criteria provided, single submitter. Criteria: ACMG Guidelines, 2015. Collection method: clinical testing. Allele origin: germline.

ITMI
No classification provided. Condition: AllHighlyPenetrant. Last evaluated: 2013-09-19. Review status: no classification provided. Collection method: reference population. Allele origin: germline. Not counted in ClinVar's aggregate classification.
Comment: Please see associated publication for description of ethnicities

Literature cited by the submitters: PubMed 12086152 (cited by Illumina Laboratory Services, Illumina); PubMed 24728327 (cited by ITMI).

NM_020975.6(RET):c.1465G>A (p.Asp489Asn)

Gene: RET (ret proto-oncogene; plus strand). Cytogenetic location: 10q11.21.
Variant type: single nucleotide variant.
Coding change: c.1465G>A on transcript NM_020975.6 (MANE Select); coding-DNA position 1465, G replaced by A.
Protein change: p.Asp489Asn; replaces aspartic acid 489 with asparagine.
Molecular consequence: missense variant.
Genome position (GRCh38, 1-based): chr10:43,111,408, G>A. VCF-style: chr10-43111408-G-A. GRCh37 (hg19) VCF-style: chr10-43606856-G-A.
Other names: c.1465G>A, p.Asp489Asn (NM_000323.2, NM_020629.2, NM_020630.7 and 6 more transcripts); c.703G>A, p.Asp235Asn (NM_001355216.2); c.1177G>A, p.Asp393Asn (NM_001406767.1, NM_001406770.1, NM_001406766.1); c.1336G>A, p.Asp446Asn (NM_001406768.1, NM_001406761.1, NM_001406762.1 and 1 more transcripts); c.1069G>A, p.Asp357Asn (NM_001406769.1, NM_001406772.1); c.1027G>A, p.Asp343Asn (NM_001406771.1, NM_001406773.1); c.940G>A, p.Asp314Asn (NM_001406774.1); c.739G>A, p.Asp247Asn (NM_001406775.1, NM_001406776.1, NM_001406777.1 and 1 more transcripts); and 1 more; short protein forms D489N, D235N, D159N, D343N, D357N, D393N, D247N, D314N.
Identifiers: ClinVar variation 135190 (VCV000135190.36), dbSNP rs9282834, ClinGen allele CA007589.
Genomic context (GRCh38, chr10:43,111,408, plus strand): 5'-GACACCAAGGCCCTGCGGCGGCCCAAGTGTGCCGAACTTCACTACATGGTGGTGGCCACC[G>A]ACCAGCAGACCTCTAGGCAGGCCCAGGCCCAGCTGCTTGTAACAGTGGAGGGGTCATGTG-3'
Protein context (NP_066124.1, residues 479-499): AELHYMVVAT[Asp489Asn]QQTSRQAQAQ